The following is an entry in ClinVar:

ClinVar aggregate classification (germline): Uncertain significance (1 of 4 stars; one submission).

Submission:

Labcorp Genetics (formerly Invitae), Labcorp
Classification: Uncertain significance. Last evaluated: 2024-10-23. Review status: criteria provided, single submitter. Criteria: Invitae Variant Classification Sherloc (09022015). Collection method: clinical testing. Allele origin: germline.
Comment: This sequence change replaces glycine, which is neutral and non-polar, with arginine, which is basic and polar, at codon 2036 of the CACNA1E protein (p.Gly2036Arg). This variant is not present in population databases (gnomAD no frequency). This variant has not been reported in the literature in individuals affected with CACNA1E-related conditions. Invitae Evidence Modeling of protein sequence and biophysical properties (such as structural, functional, and spatial information, amino acid conservation, physicochemical variation, residue mobility, and thermodynamic stability) indicates that this missense variant is not expected to disrupt CACNA1E protein function with a negative predictive value of 95%. In summary, the available evidence is currently insufficient to determine the role of this variant in disease. Therefore, it has been classified as a Variant of Uncertain Significance.

NM_001205293.3(CACNA1E):c.6235G>A (p.Gly2079Arg)

Gene: CACNA1E (calcium voltage-gated channel subunit alpha1 E; plus strand). Cytogenetic location: 1q25.3.
Variant type: single nucleotide variant.
Coding change: c.6235G>A on transcript NM_001205293.3 (MANE Select); coding-DNA position 6235, G replaced by A.
Protein change: p.Gly2079Arg; replaces glycine 2079 with arginine.
Molecular consequence: missense variant.
Genome position (GRCh38, 1-based): chr1:181,796,694, G>A. VCF-style: chr1-181796694-G-A. GRCh37 (hg19) VCF-style: chr1-181765830-G-A.
Other names: c.6106G>A, p.Gly2036Arg (NM_000721.4); c.6049G>A, p.Gly2017Arg (NM_001205294.2); short protein forms G2079R, G2017R, G2036R.
Identifiers: ClinVar variation 2695412 (VCV002695412.3), dbSNP rs2525510117, ClinGen allele CA343633207.